The following is an entry in ClinVar:

ClinVar aggregate classification (germline): Uncertain significance. Review status: criteria provided, multiple submitters, no conflicts (2 of 4 stars). 2 submissions from 2 submitters: Uncertain significance (2). Last evaluated 2024-09-16.

Allele frequency attached by ClinVar (database versions not stated): gnomAD 0.00002; gnomAD exomes 0.00002; TOPMed 0.00003; ExAC 0.00005; ESP Exome Variant Server 0.00008; 1000 Genomes Project 30x 0.00016; 1000 Genomes Project 0.00020.
gnomAD v4.1: 40 of 1,613,638 alleles (0.0025%); highest among the groups gnomAD compares: Middle Eastern, 0.017%; no homozygotes.

Submissions (2):

Blueprint Genetics
Classification: Uncertain significance. Last evaluated: 2024-09-16. Review status: criteria provided, single submitter. Criteria: ACMG Guidelines, 2015. Collection method: clinical testing. Allele origin: germline.

Labcorp Genetics (formerly Invitae), Labcorp
Classification: Uncertain significance. Last evaluated: 2024-08-20. Review status: criteria provided, single submitter. Criteria: Invitae Variant Classification Sherloc (09022015). Collection method: clinical testing. Allele origin: germline.
Comment: This sequence change replaces proline, which is neutral and non-polar, with alanine, which is neutral and non-polar, at codon 150 of the MMP13 protein (p.Pro150Ala). This variant is present in population databases (rs371894268, gnomAD 0.01%). This variant has not been reported in the literature in individuals affected with MMP13-related conditions. ClinVar contains an entry for this variant (Variation ID: 2415114). Invitae Evidence Modeling of protein sequence and biophysical properties (such as structural, functional, and spatial information, amino acid conservation, physicochemical variation, residue mobility, and thermodynamic stability) has been performed for this missense variant. However, the output from this modeling did not meet the statistical confidence thresholds required to predict the impact of this variant on MMP13 protein function. In summary, the available evidence is currently insufficient to determine the role of this variant in disease. Therefore, it has been classified as a Variant of Uncertain Significance.

NM_002427.4(MMP13):c.448C>G (p.Pro150Ala)

Gene: MMP13 (matrix metallopeptidase 13; minus strand). Cytogenetic location: 11q22.2.
Variant type: single nucleotide variant.
Coding change: c.448C>G on transcript NM_002427.4 (MANE Select); coding-DNA position 448, C replaced by G.
Protein change: p.Pro150Ala; replaces proline 150 with alanine.
Molecular consequence: missense variant.
Genome position (GRCh38, 1-based): chr11:102,954,521, G>C on the plus strand (C>G on the coding strand, the complement: MMP13 is on the minus strand). VCF-style: chr11-102954521-G-C. GRCh37 (hg19) VCF-style: chr11-102825250-G-C.
Other names: short protein forms P150A.
Identifiers: ClinVar variation 2415114 (VCV002415114.7), dbSNP rs371894268, ClinGen allele CA6251984.